The following is an entry in ClinVar:

NM_002160.4(TNC):c.3299C>T (p.Ala1100Val)

Gene: TNC (tenascin C; minus strand). Cytogenetic location: 9q33.1.
Variant type: single nucleotide variant.
Coding change: c.3299C>T on transcript NM_002160.4 (MANE Select); coding-DNA position 3299, C replaced by T.
Protein change: p.Ala1100Val; replaces alanine 1100 with valine.
Molecular consequence: missense variant.
Genome position (GRCh38, 1-based): chr9:115,064,835, G>A on the plus strand (C>T on the coding strand, the complement: TNC is on the minus strand). VCF-style: chr9-115064835-G-A. GRCh37 (hg19) VCF-style: chr9-117827114-G-A.
Other names: c.3299C>T, p.Ala1100Val (NM_001410991.1); short protein forms A1100V.
Identifiers: ClinVar variation 3029468 (VCV003029468.3), dbSNP rs2540219473, ClinGen allele CA374636382.

ClinVar aggregate classification (germline): Uncertain significance. Review status: criteria provided, single submitter (1 of 4 stars). 2 submissions from 2 submitters: Uncertain significance (1). 1 of the submissions does not count toward it. Last evaluated 2025-11-26.

Conditions:
TNC-related disorder. Also called: TNC-related condition.

Submissions (2):

Ambry Genetics
Classification: Uncertain significance. Last evaluated: 2025-11-26. Review status: criteria provided, single submitter. Criteria: Ambry Variant Classification Scheme 2023. Collection method: clinical testing. Allele origin: germline.

PreventionGenetics, part of Exact Sciences
Classification: Uncertain significance for TNC-related condition. Last evaluated: 2024-04-12. Review status: no assertion criteria provided. Collection method: clinical testing. Allele origin: germline. Not counted in ClinVar's aggregate classification.
Comment: The TNC c.3299C>T variant is predicted to result in the amino acid substitution p.Ala1100Val. To our knowledge, this variant has not been reported in the literature or in a large population database, indicating this variant is rare. At this time, the clinical significance of this variant is uncertain due to the absence of conclusive functional and genetic evidence.